The following is an entry in ClinVar:

ClinVar aggregate classification (germline): Uncertain significance (1 of 4 stars; one submission).

gnomAD v4.1: 1 of 1,614,100 alleles (0.000062%); highest among the groups gnomAD compares: Non-Finnish European, 0.000085%; no homozygotes.

Submission:

GeneDx
Classification: Uncertain significance. Last evaluated: 2023-02-22. Review status: criteria provided, single submitter. Criteria: GeneDx Variant Classification Process June 2021. Collection method: clinical testing. Allele origin: germline. Affected: yes.
Comment: Not observed at significant frequency in large population cohorts (gnomAD); In silico analysis supports that this missense variant has a deleterious effect on protein structure/function; Has not been previously published as pathogenic or benign to our knowledge

NM_001458.5(FLNC):c.4327C>T (p.Pro1443Ser)

Gene: FLNC (filamin C; plus strand). Cytogenetic location: 7q32.1.
Variant type: single nucleotide variant.
Coding change: c.4327C>T on transcript NM_001458.5 (MANE Select); coding-DNA position 4327, C replaced by T.
Protein change: p.Pro1443Ser; replaces proline 1443 with serine.
Molecular consequence: missense variant.
Genome position (GRCh38, 1-based): chr7:128,847,735, C>T. VCF-style: chr7-128847735-C-T. GRCh37 (hg19) VCF-style: chr7-128487789-C-T.
Other names: c.4327C>T, p.Pro1443Ser (NM_001127487.2); short protein forms P1443S.
Identifiers: ClinVar variation 2577666 (VCV002577666.1), dbSNP rs2536645745, ClinGen allele CA369201205.